The following is an entry in ClinVar:

ClinVar aggregate classification (germline): Uncertain significance. Review status: criteria provided, multiple submitters, no conflicts (2 of 4 stars). 2 submissions from 2 submitters: Uncertain significance (2). Last evaluated 2025-03-04.

Conditions:
Familial cancer of breast. Also called: BREAST CANCER, FAMILIAL; hereditary breast carcinoma; Hereditary breast cancer. Identifiers: Orphanet 227535, MedGen C0346153, MONDO:0016419, OMIM 114480. Disease mechanism: loss of function.
Fanconi anemia complementation group J. Also called: BRIP1-Related Fanconi Anemia. Identifiers: Orphanet 84, MedGen C1836860, MONDO:0012187, OMIM 609054.

Submissions (2):

Center for Genomic Medicine, Rigshospitalet, Copenhagen University Hospital
Classification: Uncertain significance. Last evaluated: 2025-03-04. Review status: criteria provided, single submitter. Criteria: ACMG Guidelines, 2015. Collection method: clinical testing. Allele origin: germline.

Labcorp Genetics (formerly Invitae), Labcorp
Classification: Uncertain significance for Familial cancer of breast; Fanconi anemia complementation group J. Last evaluated: 2025-02-06. Review status: criteria provided, single submitter. Criteria: Invitae Variant Classification Sherloc (09022015). Collection method: clinical testing. Allele origin: germline.
Comment: This sequence change replaces proline, which is neutral and non-polar, with alanine, which is neutral and non-polar, at codon 23 of the BRIP1 protein (p.Pro23Ala). This variant is not present in population databases (gnomAD no frequency). This variant has not been reported in the literature in individuals affected with BRIP1-related conditions. ClinVar contains an entry for this variant (Variation ID: 1348684). Invitae Evidence Modeling of protein sequence and biophysical properties (such as structural, functional, and spatial information, amino acid conservation, physicochemical variation, residue mobility, and thermodynamic stability) has been performed for this missense variant. However, the output from this modeling did not meet the statistical confidence thresholds required to predict the impact of this variant on BRIP1 protein function. In summary, the available evidence is currently insufficient to determine the role of this variant in disease. Therefore, it has been classified as a Variant of Uncertain Significance.

NM_032043.3(BRIP1):c.67C>G (p.Pro23Ala)

Gene: BRIP1 (BRCA1 interacting DNA helicase 1; minus strand). Cytogenetic location: 17q23.2.
Variant type: single nucleotide variant.
Coding change: c.67C>G on transcript NM_032043.3 (MANE Select); coding-DNA position 67, C replaced by G.
Protein change: p.Pro23Ala; replaces proline 23 with alanine.
Molecular consequence: missense variant.
Genome position (GRCh38, 1-based): chr17:61,861,473, G>C on the plus strand (C>G on the coding strand, the complement: BRIP1 is on the minus strand). VCF-style: chr17-61861473-G-C. GRCh37 (hg19) VCF-style: chr17-59938834-G-C.
Other names: short protein forms P23A.
Identifiers: ClinVar variation 1348684 (VCV001348684.15), dbSNP rs1603368425, ClinGen allele CA400485953.